The following is an entry in ClinVar:

ClinVar aggregate classification (germline): Benign/Likely benign. Review status: criteria provided, multiple submitters, no conflicts (2 of 4 stars). 4 submissions from 4 submitters: Benign (3); Likely benign (1). Last evaluated 2025-12-15.

Conditions:
Tuberous sclerosis 1 (TSC1). Identifiers: Orphanet 805, MedGen C1854465, MONDO:0008612, OMIM 191100.

Allele frequency attached by ClinVar (database versions not stated): gnomAD below 0.00001 and 0.00003; gnomAD exomes 0.00005 and 0.00011; ExAC 0.00011.
gnomAD v4.1: 75 of 1,613,916 alleles (0.0046%); highest among the groups gnomAD compares: South Asian, 0.081%; no homozygotes.

Submissions (4):

Labcorp Genetics (formerly Invitae), Labcorp
Classification: Benign for Tuberous sclerosis 1. Last evaluated: 2025-12-15. Review status: criteria provided, single submitter. Criteria: Invitae Variant Classification Sherloc (09022015). Collection method: clinical testing. Allele origin: germline.

Myriad Genetics, Inc.
Classification: Benign for Tuberous sclerosis 1. Last evaluated: 2024-09-05. Review status: criteria provided, single submitter. Criteria: Myriad Autosomal Dominant, Autosomal Recessive and X-Linked Classification Criteria (2023). Collection method: clinical testing. Allele origin: unknown.
Comment: This variant is considered benign. This variant is intronic and is not expected to impact mRNA splicing. This variant has been observed at a population frequency that is significantly greater than expected given the associated disease prevalence and penetrance.

Genome-Nilou Lab
Classification: Benign for Tuberous sclerosis 1. Last evaluated: 2021-11-07. Review status: criteria provided, single submitter. Criteria: ACMG Guidelines, 2015. Collection method: clinical testing. Allele origin: germline. Affected: no.

PreventionGenetics, part of Exact Sciences
Classification: Likely benign. Review status: criteria provided, single submitter. Criteria: ACMG Guidelines, 2015. Collection method: clinical testing. Allele origin: germline.

NM_000368.5(TSC1):c.913+8G>C

Gene: TSC1 (TSC complex subunit 1; minus strand). Cytogenetic location: 9q34.13.
Variant type: single nucleotide variant.
Coding change: c.913+8G>C on transcript NM_000368.5 (MANE Select); 8 bases into the intron after coding-DNA position 913, G replaced by C.
Molecular consequence: intron variant.
Genome position (GRCh38, 1-based): chr9:132,912,274, C>G on the plus strand (G>C on the coding strand, the complement: TSC1 is on the minus strand). VCF-style: chr9-132912274-C-G. GRCh37 (hg19) VCF-style: chr9-135787661-C-G.
Other names: c.550+8G>C (NM_001362177.2); c.760+8G>C (NM_001162427.2); c.913+8G>C (NM_001162426.2).
Identifiers: ClinVar variation 255950 (VCV000255950.13), dbSNP rs763784439, ClinGen allele CA039512.